The following is an entry in ClinVar:

NM_001142800.2(EYS):c.2513del (p.Pro838fs)

Gene: EYS (EGF-like photoreceptor maintenance factor; minus strand). Cytogenetic location: 6q12.
Variant type: Deletion.
Coding change: c.2513del on transcript NM_001142800.2 (MANE Select); coding-DNA position 2513, one base deleted (C; older notation c.2513delC).
Protein change: p.Pro838fs; shifts the reading frame from proline 838.
Molecular consequence: frameshift variant.
Genome position (GRCh38, 1-based): chr6:64,912,612, G deleted on the plus strand (C on the coding strand, the reverse complement: EYS is on the minus strand); the first of 3 consecutive G bases (chr6:64,912,612-64,912,614); deleting any one gives the same sequence. VCF-style (leftmost placement, unchanged base first): chr6-64912611-TG-T. GRCh37 (hg19) VCF-style: chr6-65622504-TG-T.
Other names: c.2513del, p.Pro838fs (NM_001292009.2); short protein forms P838fs.
Identifiers: ClinVar variation 1992663 (VCV001992663.4), dbSNP rs2533383929, ClinGen allele CA2580075667.
Genomic context (GRCh38, chr6:64,912,611, plus strand): 5'-GTTATGAAGTAGGTCACAAAGGTTATAGCGTTGGTGGCAAAATTGTCCAGTATAAAGGGG[TG>T]GGCACAGACATACAAATTGTCCAGGGATGGTAGATTCATGACAAAGACCTCCATTCATGC-3'

ClinVar aggregate classification (germline): Pathogenic (1 of 4 stars; one submission).

Submission:

Labcorp Genetics (formerly Invitae), Labcorp
Classification: Pathogenic. Last evaluated: 2022-05-10. Review status: criteria provided, single submitter. Criteria: Invitae Variant Classification Sherloc (09022015). Collection method: clinical testing. Allele origin: germline.
Comment: For these reasons, this variant has been classified as Pathogenic. This variant has not been reported in the literature in individuals affected with EYS-related conditions. This variant is not present in population databases (gnomAD no frequency). This sequence change creates a premature translational stop signal (p.Pro838Hisfs*30) in the EYS gene. It is expected to result in an absent or disrupted protein product. Loss-of-function variants in EYS are known to be pathogenic (PMID: 18836446, 20333770).

Literature cited by the submitters: PubMed 18836446; PubMed 20333770.